The following is an entry in ClinVar:

ClinVar aggregate classification (germline): Uncertain significance. Review status: criteria provided, multiple submitters, no conflicts (2 of 4 stars). 2 submissions from 2 submitters: Uncertain significance (2). Last evaluated 2022-04-07.

Conditions:
Proline dehydrogenase deficiency (HYRPRO1). Also called: Hyperprolinemia type 1; PROLINE OXIDASE DEFICIENCY. Identifiers: Orphanet 419, MedGen C0268529, MONDO:0009400, OMIM 239500.
Schizophrenia 4 (SCZD4). Also called: SCHIZOPHRENIA SUSCEPTIBILITY LOCUS, CHROMOSOME 22q11-RELATED; SCHIZOPHRENIA, SUSCEPTIBILITY TO, 4. Identifiers: MedGen C1833247, MONDO:0010943, OMIM 600850.

Allele frequency attached by ClinVar (database versions not stated): gnomAD exomes 0.00001; ExAC 0.00003.

Submissions (3):

Women's Health and Genetics/Laboratory Corporation of America, LabCorp
Classification: Uncertain significance. Last evaluated: 2022-04-07. Review status: criteria provided, single submitter. Criteria: LabCorp Variant Classification Summary - May 2015. Collection method: clinical testing. Allele origin: germline.
Comment: Variant summary: PRODH c.1615+1G>C is located in a canonical splice-site at the junction of the penultimate exon and the last intron, and is predicted to affect mRNA splicing resulting in a significantly altered protein due to either exon skipping, shortening, or inclusion of intronic material. Several computational tools predict a significant impact on normal splicing: four predict the variant abolishes a 5' splicing donor site. However, these predictions have yet to be confirmed by functional studies. Though this variant might result in a frame-shift with a premature termination codon, it is not expected to cause nonsense mediated decay (NMD). The variant allele was found at a frequency of 1e-05 in 198196 control chromosomes (gnomAD). To our knowledge, no occurrence of c.1615+1G>C in individuals affected with Proline Dehydrogenase Deficiency and no experimental evidence demonstrating its impact on protein function have been reported. No clinical diagnostic laboratories have submitted clinical-significance assessments for this variant to ClinVar after 2014. Based on the evidence outlined above, the variant was classified as likely pathogenic.

Fulgent Genetics
Classification: Uncertain significance for Proline dehydrogenase deficiency; Schizophrenia 4. Last evaluated: 2022-03-05. Review status: criteria provided, single submitter. Criteria: ACMG Guidelines, 2015. Collection method: clinical testing. Allele origin: unknown.

Dr. Peter K. Rogan Lab, Western University
No classification provided (evidence only). Condition: Thymoma. Review status: no classification provided. Collection method: in vitro. Allele origin: not applicable. Functional consequence: skipped exon, retained intron. Not counted in ClinVar's aggregate classification.

NM_016335.6(PRODH):c.1615+1G>C

Gene: PRODH (proline dehydrogenase 1; minus strand). Cytogenetic location: 22q11.21.
Variant type: single nucleotide variant.
Coding change: c.1615+1G>C on transcript NM_016335.6 (MANE Select); the canonical splice donor site of the intron after coding-DNA position 1615, G replaced by C.
Molecular consequence: splice donor variant.
Genome position (GRCh38, 1-based): chr22:18,913,437, C>G on the plus strand (G>C on the coding strand, the complement: PRODH is on the minus strand). VCF-style: chr22-18913437-C-G. GRCh37 (hg19) VCF-style: chr22-18900950-C-G.
Other names: NC_000022.10:g.18900950C>G; c.1291+1G>C (NM_001195226.2, NM_001368250.2).
Identifiers: ClinVar variation 1683356 (VCV001683356.3), dbSNP rs745902339, ClinGen allele CA10094877.